The following is an entry in ClinVar:

ClinVar aggregate classification (germline): Benign/Likely benign. Review status: criteria provided, multiple submitters, no conflicts (2 of 4 stars). 4 submissions from 4 submitters: Benign (1); Likely benign (2). 1 of the submissions does not count toward it. Last evaluated 2026-01-19.

Conditions:
ASXL2-related disorder. Also called: ASXL2-related condition.
Inborn genetic diseases. Identifiers: MedGen C0950123, MeSH D030342.

Allele frequency attached by ClinVar (database versions not stated): ESP Exome Variant Server 0.00008; gnomAD exomes 0.00029; ExAC 0.00031; gnomAD 0.00032 and 0.00034; 1000 Genomes Project 0.00040; TOPMed 0.00042; 1000 Genomes Project 30x 0.00047.
gnomAD v4.1: 302 of 1,549,452 alleles (0.019%); highest among the groups gnomAD compares: Middle Eastern, 0.16%; no homozygotes.

Submissions (4):

Labcorp Genetics (formerly Invitae), Labcorp
Classification: Likely benign. Last evaluated: 2026-01-19. Review status: criteria provided, single submitter. Criteria: Invitae Variant Classification Sherloc (09022015). Collection method: clinical testing. Allele origin: germline.

CeGaT Center for Human Genetics Tuebingen
Classification: Benign. Last evaluated: 2022-06-01. Review status: criteria provided, single submitter. Criteria: CeGaT Center For Human Genetics Tuebingen Variant Classification Criteria Version 2. Collection method: clinical testing. Allele origin: germline. Affected: yes. Observed: 1 variant allele.
Comment: ASXL2: BS1, BS2

Ambry Genetics
Classification: Likely benign for Inborn genetic diseases. Last evaluated: 2022-01-26. Review status: criteria provided, single submitter. Criteria: Ambry Variant Classification Scheme 2023. Collection method: clinical testing. Allele origin: germline.

PreventionGenetics, part of Exact Sciences
Classification: Likely benign for ASXL2-related condition. Last evaluated: 2021-03-15. Review status: no assertion criteria provided. Collection method: clinical testing. Allele origin: germline. Not counted in ClinVar's aggregate classification.
Comment: This variant is classified as likely benign based on ACMG/AMP sequence variant interpretation guidelines (Richards et al. 2015 PMID: 25741868, with internal and published modifications).

NM_018263.6(ASXL2):c.1823G>A (p.Gly608Glu)

Gene: ASXL2 (ASXL transcriptional regulator 2; minus strand). Cytogenetic location: 2p23.3.
Variant type: single nucleotide variant.
Coding change: c.1823G>A on transcript NM_018263.6 (MANE Select); coding-DNA position 1823, G replaced by A.
Protein change: p.Gly608Glu; replaces glycine 608 with glutamic acid.
Molecular consequence: missense variant.
Genome position (GRCh38, 1-based): chr2:25,749,733, C>T on the plus strand (G>A on the coding strand, the complement: ASXL2 is on the minus strand). VCF-style: chr2-25749733-C-T. GRCh37 (hg19) VCF-style: chr2-25972602-C-T.
Other names: c.1649G>A, p.Gly550Glu (NM_001369346.1); c.1043G>A, p.Gly348Glu (NM_001369347.1); c.1823G>A (NM_018263.4); short protein forms G348E, G550E, G608E.
Identifiers: ClinVar variation 1563779 (VCV001563779.33), dbSNP rs200842793, ClinGen allele CA1557755.